The following is an entry in ClinVar:

NM_003824.4(FADD):c.89G>C (p.Arg30Pro)

Gene: FADD (Fas associated via death domain; plus strand). Cytogenetic location: 11q13.3.
Variant type: single nucleotide variant.
Coding change: c.89G>C on transcript NM_003824.4 (MANE Select); coding-DNA position 89, G replaced by C.
Protein change: p.Arg30Pro; replaces arginine 30 with proline.
Molecular consequence: missense variant.
Genome position (GRCh38, 1-based): chr11:70,203,548, G>C. VCF-style: chr11-70203548-G-C. GRCh37 (hg19) VCF-style: chr11-70049654-G-C.
Other names: short protein forms R30P.
Identifiers: ClinVar variation 1063379 (VCV001063379.9), dbSNP rs369187743, ClinGen allele CA223535264.
Genomic context (GRCh38, chr11:70,203,548, plus strand): 5'-CGGTGTCGTCCAGCCTGTCGAGCAGCGAGCTGACCGAGCTCAAGTTCCTATGCCTCGGGC[G>C]CGTGGGCAAGCGCAAGCTGGAGCGCGTGCAGAGCGGCCTAGACCTCTTCTCCATGCTGCT-3'
Protein context (NP_003815.1, residues 20-40): LTELKFLCLG[Arg30Pro]VGKRKLERVQ

ClinVar aggregate classification (germline): Uncertain significance (1 of 4 stars; one submission).

Conditions:
FADD-related immunodeficiency. Also called: Infections, recurrent, with encephalopathy, hepatic dysfunction, and cardiovascular malformations; FADD DEFICIENCY. Identifiers: Orphanet 306550, MedGen C3151062, MONDO:0013408, OMIM 613759.

Allele frequency attached by ClinVar (database versions not stated): ESP Exome Variant Server 0.00008.

Submission:

Labcorp Genetics (formerly Invitae), Labcorp
Classification: Uncertain significance for FADD-related immunodeficiency. Last evaluated: 2020-03-26. Review status: criteria provided, single submitter. Criteria: Invitae Variant Classification Sherloc (09022015). Collection method: clinical testing. Allele origin: germline.
Comment: In summary, the available evidence is currently insufficient to determine the role of this variant in disease. Therefore, it has been classified as a Variant of Uncertain Significance. Algorithms developed to predict the effect of missense changes on protein structure and function are either unavailable or do not agree on the potential impact of this missense change (SIFT: "Tolerated"; PolyPhen-2: "Probably Damaging"; Align-GVGD: "Class C0"). This variant has not been reported in the literature in individuals with FADD-related conditions. This variant is not present in population databases (ExAC no frequency). This sequence change replaces arginine with proline at codon 30 of the FADD protein (p.Arg30Pro). The arginine residue is moderately conserved and there is a moderate physicochemical difference between arginine and proline.